The following is an entry in ClinVar:

ClinVar aggregate classification (germline): Uncertain significance (1 of 4 stars; one submission).

Conditions:
Immunodeficiency, common variable, 10. Also called: IMMUNODEFICIENCY, COMMON VARIABLE, WITH CENTRAL ADRENAL INSUFFICIENCY; DEFICIT IN ANTERIOR PITUITARY FUNCTION AND VARIABLE IMMUNODEFICIENCY. Identifiers: MedGen C3809991, MONDO:0014260, OMIM 615577.

Allele frequency attached by ClinVar (database versions not stated): gnomAD exomes below 0.00001.
gnomAD v4.1: 4 of 1,613,854 alleles (0.00025%); highest among the groups gnomAD compares: Non-Finnish European, 0.00034%; no homozygotes.

Submission:

Labcorp Genetics (formerly Invitae), Labcorp
Classification: Uncertain significance for Immunodeficiency, common variable, 10. Last evaluated: 2022-01-15. Review status: criteria provided, single submitter. Criteria: Invitae Variant Classification Sherloc (09022015). Collection method: clinical testing. Allele origin: germline.
Comment: This variant is present in population databases (no rsID available, gnomAD 0.0009%). This sequence change replaces proline, which is neutral and non-polar, with alanine, which is neutral and non-polar, at codon 785 of the NFKB2 protein (p.Pro785Ala). This variant has not been reported in the literature in individuals affected with NFKB2-related conditions. Algorithms developed to predict the effect of missense changes on protein structure and function are either unavailable or do not agree on the potential impact of this missense change (SIFT: "Tolerated"; PolyPhen-2: "Possibly Damaging"; Align-GVGD: "Class C0"). In summary, the available evidence is currently insufficient to determine the role of this variant in disease. Therefore, it has been classified as a Variant of Uncertain Significance.

NM_001322934.2(NFKB2):c.2353C>G (p.Pro785Ala)

Gene: NFKB2 (nuclear factor kappa B subunit 2; plus strand). Cytogenetic location: 10q24.32.
Variant type: single nucleotide variant.
Coding change: c.2353C>G on transcript NM_001322934.2 (MANE Select); coding-DNA position 2353, C replaced by G.
Protein change: p.Pro785Ala; replaces proline 785 with alanine.
Molecular consequence: missense variant.
Genome position (GRCh38, 1-based): chr10:102,401,804, C>G. VCF-style: chr10-102401804-C-G. GRCh37 (hg19) VCF-style: chr10-104161561-C-G.
Other names: c.2353C>G, p.Pro785Ala (NM_001077494.3, NM_001261403.3, NM_001288724.1 and 1 more transcripts); c.2227C>G, p.Pro743Ala (NM_001322935.1); short protein forms P743A, P785A.
Identifiers: ClinVar variation 1403948 (VCV001403948.6), dbSNP rs1404051917, ClinGen allele CA377905524.